The following is an entry in ClinVar:

NM_001267550.2(TTN):c.88760A>G (p.His29587Arg)

Genes: TTN (titin; minus strand), TTN-AS1 (TTN antisense RNA 1; plus strand). Cytogenetic location: 2q31.2.
Variant type: single nucleotide variant.
Coding change: c.88760A>G on transcript NM_001267550.2 (MANE Select); coding-DNA position 88760, A replaced by G.
Protein change: p.His29587Arg; replaces histidine 29587 with arginine.
Molecular consequence: missense variant.
Genome position (GRCh38, 1-based): chr2:178,554,587, T>C on the plus strand (A>G on the coding strand, the complement: TTN is on the minus strand). VCF-style: chr2-178554587-T-C. GRCh37 (hg19) VCF-style: chr2-179419314-T-C.
Other names: c.83837A>G, p.His27946Arg (NM_001256850.1); c.61565A>G, p.His20522Arg (NM_003319.4); c.81056A>G, p.His27019Arg (NM_133378.4); c.61940A>G, p.His20647Arg (NM_133432.3); c.62141A>G, p.His20714Arg (NM_133437.4); short protein forms H27019R, H29587R, H20522R, H27946R, H20647R, H20714R.
Identifiers: ClinVar variation 593716 (VCV000593716.8), dbSNP rs373905959, ClinGen allele CA1988086.
Genomic context (GRCh38, chr2:178,554,587, plus strand): 5'-CGGAAGATGTATTCATTTCCTTTGATAATTTTGGTGGTTGTAATGATGCACTCTTCCAAA[T>C]GTTCAGACACCATAGACCACACAACGCGGCTTGTCTCACGCTTTTCCACAATGTAGTGAG-3'
Protein context (NP_001254479.2, residues 29577-29597): SRVVWSMVSE[His29587Arg]LEECIITTTK

ClinVar aggregate classification (germline): Uncertain significance. Review status: criteria provided, multiple submitters, no conflicts (2 of 4 stars). 3 submissions from 3 submitters: Uncertain significance (3). Last evaluated 2025-11-12.

Conditions:
TTN-related disorder. Also called: TTN-related condition; TTN-related disease; TTN-related disorders.
Cardiovascular phenotype. Identifiers: MedGen CN230736.

Allele frequency attached by ClinVar (database versions not stated): ExAC 0.00001; gnomAD 0.00001; gnomAD exomes 0.00001; TOPMed 0.00001; ESP Exome Variant Server 0.00008.
gnomAD v4.1: 5 of 1,613,800 alleles (0.00031%); highest among the groups gnomAD compares: African/African-American, 0.0053%; no homozygotes.

Submissions (3):

PreventionGenetics, part of Exact Sciences
Classification: Uncertain significance for TTN-related condition. Last evaluated: 2025-11-12. Review status: criteria provided, single submitter. Criteria: ACMG Guidelines, 2015. Collection method: clinical testing. Allele origin: germline.
Comment: The TTN c.88760A>G variant is predicted to result in the amino acid substitution p.His29587Arg. To our knowledge, this variant has not been reported in the literature. This variant is reported in 0.013% of alleles in individuals of African descent in gnomAD. At this time, the clinical significance of this variant is uncertain due to the absence of conclusive functional and genetic evidence.

Ambry Genetics
Classification: Uncertain significance for Cardiovascular phenotype. Last evaluated: 2020-08-25. Review status: criteria provided, single submitter. Criteria: Ambry Variant Classification Scheme 2023. Collection method: clinical testing. Allele origin: germline.
Comment: The p.H20522R variant (also known as c.61565A>G), located in coding exon 159 of the TTN gene, results from an A to G substitution at nucleotide position 61565. The histidine at codon 20522 is replaced by arginine, an amino acid with highly similar properties. This amino acid position is poorly conserved in available vertebrate species. In addition, this alteration is predicted to be tolerated by in silico analysis. Since supporting evidence is limited at this time, the clinical significance of this alteration remains unclear.

Eurofins Ntd Llc (ga)
Classification: Uncertain significance. Last evaluated: 2017-08-22. Review status: criteria provided, single submitter. Criteria: EGL Classification Definitions 2015. Collection method: clinical testing. Allele origin: germline. Observed: 1 variant allele, 1 heterozygote.